The following continues an entry in ClinVar:

NM_000138.5(FBN1):c.8176C>T (p.Arg2726Trp)

Gene: FBN1. ClinVar aggregate classification (germline): Conflicting classifications of pathogenicity. Uncertain significance (3); Benign (1); Likely benign (23).

Submissions 15 to 29 of 29:

Illumina Laboratory Services, Illumina
Classification: Likely benign for Stiff skin syndrome. Last evaluated: 2018-11-28. Review status: criteria provided, single submitter. Criteria: ICSL Variant Classification Criteria 13 December 2019. Collection method: clinical testing. Allele origin: germline.
Comment: This variant was observed as part of a predisposition screen in an ostensibly healthy population. A literature search was performed for the gene, cDNA change, and amino acid change (where applicable). No publications were found based on this search. Allele frequency data from public databases allowed determination this variant is unlikely to cause disease. Therefore, this variant is classified as likely benign.

Illumina Laboratory Services, Illumina
Classification: Likely benign for Acromicric dysplasia. Last evaluated: 2018-11-28. Review status: criteria provided, single submitter. Criteria: ICSL Variant Classification Criteria 13 December 2019. Collection method: clinical testing. Allele origin: germline.
Comment: the same text as in the submission from Illumina Laboratory Services, Illumina above.

Illumina Laboratory Services, Illumina
Classification: Likely benign for Geleophysic dysplasia. Last evaluated: 2018-11-28. Review status: criteria provided, single submitter. Criteria: ICSL Variant Classification Criteria 13 December 2019. Collection method: clinical testing. Allele origin: germline.
Comment: the same text as in the submission from Illumina Laboratory Services, Illumina above.

Illumina Laboratory Services, Illumina
Classification: Likely benign for Marfan syndrome. Last evaluated: 2018-11-28. Review status: criteria provided, single submitter. Criteria: ICSL Variant Classification Criteria 13 December 2019. Collection method: clinical testing. Allele origin: germline.
Comment: This variant was observed as part of a predisposition screen in an ostensibly healthy population. A literature search was performed for the gene, cDNA change, and amino acid change (where applicable). Publications were found based on this search. The evidence from the literature, in combination with allele frequency data from public databases where available, was sufficient to determine this variant is unlikely to cause disease. Therefore, this variant is classified as likely benign.

Illumina Laboratory Services, Illumina
Classification: Likely benign for Familial thoracic aortic aneurysm and aortic dissection. Last evaluated: 2018-11-28. Review status: criteria provided, single submitter. Criteria: ICSL Variant Classification Criteria 13 December 2019. Collection method: clinical testing. Allele origin: germline.
Comment: the same text as in the submission from Illumina Laboratory Services, Illumina above.

Illumina Laboratory Services, Illumina
Classification: Likely benign for Ectopia lentis 1, isolated, autosomal dominant. Last evaluated: 2018-11-28. Review status: criteria provided, single submitter. Criteria: ICSL Variant Classification Criteria 13 December 2019. Collection method: clinical testing. Allele origin: germline.
Comment: the same text as in the submission from Illumina Laboratory Services, Illumina above.

Illumina Laboratory Services, Illumina
Classification: Likely benign for Weill-Marchesani syndrome. Last evaluated: 2018-11-28. Review status: criteria provided, single submitter. Criteria: ICSL Variant Classification Criteria 13 December 2019. Collection method: clinical testing. Allele origin: germline.
Comment: the same text as in the submission from Illumina Laboratory Services, Illumina above.

Color Diagnostics, LLC DBA Color Health
Classification: Likely benign for Familial thoracic aortic aneurysm and aortic dissection. Last evaluated: 2018-04-25. Review status: criteria provided, single submitter. Criteria: ACMG Guidelines, 2015. Collection method: clinical testing. Allele origin: germline.

Baylor Genetics
Classification: Uncertain significance for Marfan syndrome. Last evaluated: 2017-09-01. Review status: criteria provided, single submitter. Criteria: ACMG Guidelines, 2015. Collection method: clinical testing. Allele origin: germline. Inheritance: Autosomal dominant inheritance.
Comment: This mutation has been previously reported as causing Marfanoid-like features. It has been found 13 times in our laboratory, always inherited when parents are tested, and not always in patients with Marfanoid features.

Eurofins Ntd Llc (ga)
Classification: Uncertain significance. Last evaluated: 2016-08-31. Review status: criteria provided, single submitter. Criteria: EGL Classification Definitions 2015. Collection method: clinical testing. Allele origin: germline. Observed: 1 variant allele, 1 heterozygote.

Knight Diagnostic Laboratories, Oregon Health and Sciences University
Classification: Uncertain significance for Marfan syndrome. Last evaluated: 2016-04-19. Review status: criteria provided, single submitter. Criteria: ACMG Guidelines, 2015. Collection method: clinical testing. Allele origin: germline. Affected: no. Study: CSER-NextGen.

CSER _CC_NCGL, University of Washington
Classification: Likely benign for Marfan syndrome. Last evaluated: 2015-12-01. Review status: criteria provided, single submitter. Criteria: Amendola et al. (Genome Res. 2015). Collection method: research. Allele origin: germline. Inheritance: Autosomal dominant inheritance. Study: ESP 6500 variant annotation.
Comment: .GERP=1.030.ExAC Alt Allele Frequencies=AFR:0.0577%,NFE:0.0824%,EAS:0.0%,SAS:0.0%,FIN:0.0%,AMR:0.233%,OTH:0.11%.The variant was found in publications with the following PMIDs:7738200;25637381;15598221;24055113;25812041;24564502;19059503;24941995;

Variants classified for the Actionable exomic incidental findings in 6503 participants: challenges of variant classification manuscript

PreventionGenetics, part of Exact Sciences
Classification: Likely benign. Review status: criteria provided, single submitter. Criteria: ACMG Guidelines, 2015. Collection method: clinical testing. Allele origin: germline.

Center for Medical Genetics Ghent, University of Ghent
Classification: Uncertain significance for Marfan syndrome. Last evaluated: 2017-11-07. Review status: no assertion criteria provided. Collection method: clinical testing. Allele origin: germline. Affected: yes. Not counted in ClinVar's aggregate classification.

OMIM
Classification: Uncertain significance for RECLASSIFIED - VARIANT OF UNKNOWN SIGNIFICANCE. Last evaluated: 2009-01-01. Review status: no assertion criteria provided. Collection method: literature only. Allele origin: germline. Not counted in ClinVar's aggregate classification.

Literature cited by the submitters: PubMed 7738200 (cited by 7 submitters); PubMed 16222657 (cited by Women's Health and Genetics/Laboratory Corporation of America, LabCorp); PubMed 15598221 (cited by 6 submitters); PubMed 17657824 (cited by Women's Health and Genetics/Laboratory Corporation of America, LabCorp and Ambry Genetics); PubMed 9817919 (cited by Women's Health and Genetics/Laboratory Corporation of America, LabCorp); PubMed 18435798 (cited by Women's Health and Genetics/Laboratory Corporation of America, LabCorp); PubMed 19059503 (cited by 5 submitters); PubMed 19293843 (cited by Women's Health and Genetics/Laboratory Corporation of America, LabCorp); PubMed 19396033 (cited by Women's Health and Genetics/Laboratory Corporation of America, LabCorp); PubMed 23506379 (cited by Women's Health and Genetics/Laboratory Corporation of America, LabCorp); PubMed 24564502 (cited by 4 submitters); PubMed 23608731 (cited by Women's Health and Genetics/Laboratory Corporation of America, LabCorp); PubMed 25812041 (cited by Women's Health and Genetics/Laboratory Corporation of America, LabCorp); PubMed 26875674 (cited by 3 submitters); PubMed 27582083 (cited by Women's Health and Genetics/Laboratory Corporation of America, LabCorp and Ambry Genetics); PubMed 29357934 (cited by Women's Health and Genetics/Laboratory Corporation of America, LabCorp and Victorian Clinical Genetics Services, Murdoch Childrens Research Institute); PubMed 28655553 (cited by Women's Health and Genetics/Laboratory Corporation of America, LabCorp); PubMed 10198291 (cited by Ambry Genetics); PubMed 26764160 (cited by Ambry Genetics); NCBI Bookshelf NBK1335 (cited by Victorian Clinical Genetics Services, Murdoch Childrens Research Institute); PubMed 20301510 (cited by Victorian Clinical Genetics Services, Murdoch Childrens Research Institute); PubMed 27274304 (cited by Victorian Clinical Genetics Services, Murdoch Childrens Research Institute); PubMed 31227806 (cited by Victorian Clinical Genetics Services, Murdoch Childrens Research Institute); PubMed 31950671 (cited by Victorian Clinical Genetics Services, Murdoch Childrens Research Institute); PubMed 24941995 (cited by Illumina Laboratory Services, Illumina and Baylor Genetics); PubMed 24055113 (cited by Baylor Genetics); PubMed 25326635 (cited by Baylor Genetics).